The following is an entry in ClinVar:

NM_003052.5(SLC34A1):c.1172C>T (p.Thr391Met)

Gene: SLC34A1 (solute carrier family 34 member 1; plus strand). Cytogenetic location: 5q35.3.
Variant type: single nucleotide variant.
Coding change: c.1172C>T on transcript NM_003052.5 (MANE Select); coding-DNA position 1172, C replaced by T.
Protein change: p.Thr391Met; replaces threonine 391 with methionine.
Molecular consequence: missense variant.
Genome position (GRCh38, 1-based): chr5:177,394,193, C>T. VCF-style: chr5-177394193-C-T. GRCh37 (hg19) VCF-style: chr5-176821194-C-T.
Other names: short protein forms T391M.
Identifiers: ClinVar variation 352968 (VCV000352968.9), dbSNP rs143201338, ClinGen allele CA3580663.

ClinVar aggregate classification (germline): Conflicting classifications of pathogenicity. Review status: criteria provided, conflicting classifications (1 of 4 stars). 4 submissions from 4 submitters: Uncertain significance (2); Benign (1); Likely benign (1). Last evaluated 2026-04-27.

Conditions:
SLC34A1-related disorder. Also called: SLC34A1-related condition; SLC34A1-related disorders.
Hypophosphatemic nephrolithiasis/osteoporosis 1. Identifiers: Orphanet 244305, MedGen C2676786, MONDO:0012850, OMIM 612286.
Fanconi renotubular syndrome 2 (FRTS2). Identifiers: MedGen C3150652, MONDO:0013247, OMIM 613388.
Hypercalcemia, infantile, 2 (HCINF2). Identifiers: Orphanet 300547, MedGen C4310473, MONDO:0014851, OMIM 616963.

Allele frequency attached by ClinVar (database versions not stated): ExAC 0.00017; 1000 Genomes Project 30x 0.00047; gnomAD exomes 0.00014; 1000 Genomes Project 0.00060; gnomAD 0.00060 and 0.00066; ESP Exome Variant Server 0.00062; TOPMed 0.00069.
gnomAD v4.1: 177 of 1,613,922 alleles (0.011%); highest among the groups gnomAD compares: African/African-American, 0.18%; no homozygotes.

Submissions (4):

PreventionGenetics, part of Exact Sciences
Classification: Likely benign for SLC34A1-related condition. Last evaluated: 2026-04-27. Review status: criteria provided, single submitter. Criteria: ACMG Guidelines, 2015. Collection method: clinical testing. Allele origin: germline.
Comment: This variant is classified as likely benign based on ACMG/AMP sequence variant interpretation guidelines (Richards et al. 2015 PMID: 25741868, with internal and published modifications).

Fulgent Genetics
Classification: Uncertain significance for Hypophosphatemic nephrolithiasis/osteoporosis 1; Fanconi renotubular syndrome 2; Hypercalcemia, infantile, 2. Last evaluated: 2024-04-30. Review status: criteria provided, single submitter. Criteria: ACMG Guidelines, 2015. Collection method: clinical testing. Allele origin: germline.

Labcorp Genetics (formerly Invitae), Labcorp
Classification: Uncertain significance. Last evaluated: 2021-12-15. Review status: criteria provided, single submitter. Criteria: Invitae Variant Classification Sherloc (09022015). Collection method: clinical testing. Allele origin: germline.
Comment: This sequence change replaces threonine, which is neutral and polar, with methionine, which is neutral and non-polar, at codon 391 of the SLC34A1 protein (p.Thr391Met). This variant is present in population databases (rs143201338, gnomAD 0.2%). This variant has not been reported in the literature in individuals affected with SLC34A1-related conditions. ClinVar contains an entry for this variant (Variation ID: 352968). Algorithms developed to predict the effect of missense changes on protein structure and function are either unavailable or do not agree on the potential impact of this missense change (SIFT: "Deleterious"; PolyPhen-2: "Possibly Damaging"; Align-GVGD: "Class C0"). In summary, the available evidence is currently insufficient to determine the role of this variant in disease. Therefore, it has been classified as a Variant of Uncertain Significance.

Illumina Laboratory Services, Illumina
Classification: Benign for Hypophosphatemic nephrolithiasis/osteoporosis 1. Last evaluated: 2018-01-13. Review status: criteria provided, single submitter. Criteria: ICSL Variant Classification Criteria 13 December 2019. Collection method: clinical testing. Allele origin: germline.
Comment: This variant was observed in the ICSL laboratory as part of a predisposition screen in an ostensibly healthy population. It had not been previously curated by ICSL or reported in the Human Gene Mutation Database (HGMD: prior to June 1st, 2018), and was therefore a candidate for classification through an automated scoring system. Utilizing variant allele frequency, disease prevalence and penetrance estimates, and inheritance mode, an automated score was calculated to assess if this variant is too frequent to cause the disease. Based on the score and internal cut-off values, a variant classified as benign is not then subjected to further curation. The score for this variant resulted in a classification of benign for this disease.